The following is an entry in ClinVar:

NM_001165963.4(SCN1A):c.5232T>G (p.Asn1744Lys)

Genes: SCN1A (sodium voltage-gated channel alpha subunit 1; minus strand), LOC102724058 (uncharacterized LOC102724058; plus strand). Cytogenetic location: 2q24.3.
Variant type: single nucleotide variant.
Coding change: c.5232T>G on transcript NM_001165963.4 (MANE Select); coding-DNA position 5232, T replaced by G.
Protein change: p.Asn1744Lys; replaces asparagine 1744 with lysine.
Molecular consequence: missense variant. On other transcripts: non-coding transcript variant (1).
Genome position (GRCh38, 1-based): chr2:165,992,043, A>C on the plus strand (T>G on the coding strand, the complement: SCN1A is on the minus strand). VCF-style: chr2-165992043-A-C. GRCh37 (hg19) VCF-style: chr2-166848553-A-C.
Other names: c.5148T>G, p.Asn1716Lys (NM_001165964.3, NM_001353957.2, NM_001353958.2); c.5232T>G, p.Asn1744Lys (NM_001202435.3, NM_001353948.2); c.5199T>G, p.Asn1733Lys (NM_001353949.2, NM_001353950.2, NM_001353951.2 and 2 more transcripts); c.5196T>G, p.Asn1732Lys (NM_001353954.2, NM_001353955.2); c.5145T>G, p.Asn1715Lys (NM_001353960.2); c.2790T>G, p.Asn930Lys (NM_001353961.2); short protein forms N930K, N1715K, N1732K, N1716K, N1744K, N1733K.
Identifiers: ClinVar variation 5010101 (VCV005010101.1).

ClinVar aggregate classification (germline): Uncertain significance (1 of 4 stars; one submission).

Submission:

GeneDx
Classification: Uncertain significance. Last evaluated: 2026-02-25. Review status: criteria provided, single submitter. Criteria: GeneDx Variant Classification Process June 2021. Collection method: clinical testing. Allele origin: germline.
Comment: Not observed at significant frequency in large population cohorts (gnomAD); In silico analysis suggests that this missense variant does not alter protein structure/function; Has not been previously published as pathogenic or benign to our knowledge; This substitution is predicted to be within the extracellular loop between the S5 and S6 transmembrane segments of the fourth homologous domain